The following is an entry in ClinVar:

NM_003954.5(MAP3K14):c.1225G>T (p.Gly409Cys)

Gene: MAP3K14 (mitogen-activated protein kinase kinase kinase 14; minus strand). Cytogenetic location: 17q21.31.
Variant type: single nucleotide variant.
Coding change: c.1225G>T on transcript NM_003954.5 (MANE Select); coding-DNA position 1225, G replaced by T.
Protein change: p.Gly409Cys; replaces glycine 409 with cysteine.
Molecular consequence: missense variant.
Genome position (GRCh38, 1-based): chr17:45,284,877, C>A on the plus strand (G>T on the coding strand, the complement: MAP3K14 is on the minus strand). VCF-style: chr17-45284877-C-A. GRCh37 (hg19) VCF-style: chr17-43362244-C-A.
Other names: short protein forms G409C.
Identifiers: ClinVar variation 1000449 (VCV001000449.7), dbSNP rs2044251713, ClinGen allele CA399886960.

ClinVar aggregate classification (germline): Uncertain significance (1 of 4 stars; one submission).

Conditions:
NIK deficiency. Also called: Primary immunodeficiency with multifaceted aberrant lymphoid immunity. Identifiers: Orphanet 447731, MedGen C5680065, MONDO:0018642.

Submission:

Labcorp Genetics (formerly Invitae), Labcorp
Classification: Uncertain significance for NIK deficiency. Last evaluated: 2020-10-19. Review status: criteria provided, single submitter. Criteria: Invitae Variant Classification Sherloc (09022015). Collection method: clinical testing. Allele origin: germline.
Comment: In summary, the available evidence is currently insufficient to determine the role of this variant in disease. Therefore, it has been classified as a Variant of Uncertain Significance. Experimental studies and prediction algorithms are not available or were not evaluated, and the functional significance of this variant is currently unknown. This variant has not been reported in the literature in individuals with MAP3K14-related conditions. This variant is not present in population databases (ExAC no frequency). This sequence change replaces glycine with cysteine at codon 409 of the MAP3K14 protein (p.Gly409Cys). The glycine residue is highly conserved and there is a large physicochemical difference between glycine and cysteine.